The following is an entry in ClinVar:

ClinVar aggregate classification (germline): Pathogenic (1 of 4 stars; one submission).

Conditions:
SKIN/HAIR/EYE PIGMENTATION 1, BLUE/NONBLUE EYES (SHEP1). Also called: BROWN EYE COLOR 2; EYE COLOR 3; EYE COLOR, BLUE/NONBLUE; EYE COLOR, BROWN/BLUE; HAIR COLOR 3; SKIN/HAIR/EYE PIGMENTATION 1, BLOND/BROWN HAIR. Identifiers: MedGen C1856895, OMIM 227220.
Tyrosinase-positive oculocutaneous albinism (OCA2). Also called: ALBINISM II; Oculocutaneous albinism type 2; Albinism, oculocutaneous, type II. Identifiers: Orphanet 79432, MedGen C0268495, MONDO:0008746, OMIM 203200.

Submission:

Laboratory of Genetic Epidemiology, Research Centre for Medical Genetics
Classification: Pathogenic for SKIN/HAIR/EYE PIGMENTATION 1, BLUE/NONBLUE EYES; Tyrosinase-positive oculocutaneous albinism. Last evaluated: 2025-01-01. Review status: criteria provided, single submitter. Criteria: ACMG Guidelines, 2015. Collection method: clinical testing. Allele origin: unknown. Inheritance: Autosomal recessive inheritance. Affected: yes. Observed: 1 heterozygote.
Comment: This variant has not been previously reported in the literature and is listed in gnomAD v3.1.2 with allele frequency 0.000006 (1/152248). The variant is located in a highly conserved position within the repeating LAA amino acid motif (ConSurf, AlphaFold), and multiple in silico prediction tools support a deleterious effect. The deletion of residues Ala366-Ala368 in transmembrane domain 7 (TM7) destabilizes the α-helix, distorting the ion channel pore and disrupting OCA2 transport activity (PMID: 38926510). Taken together, the variant meets the following ACMG/AMP criteria and can be classified as pathogenic with PM2, PM4, PS3, PM3, PP4 criteria.

Literature cited by the submitters: PubMed 38926510; PubMed 41428507.

NM_000275.3(OCA2):c.1097_1105del (p.363ALA[1])

Gene: OCA2 (OCA2 melanosomal transmembrane protein; minus strand). Cytogenetic location: 15q13.1.
Variant type: Deletion.
Coding change: c.1097_1105del on transcript NM_000275.3 (MANE Select); coding-DNA positions 1097 to 1105, 9 bases deleted (CACTGGCTG; older notation c.1097_1105delCACTGGCTG).
Protein change: p.363ALA[1].
Molecular consequence: intron variant (on NM_001300984.2).
Genome position (GRCh38, 1-based): chr15:27,990,587-27,990,595, CAGCCAGTG deleted on the plus strand (CACTGGCTG on the coding strand, the reverse complement: OCA2 is on the minus strand); deleting any 9 consecutive bases within chr15:27,990,587-27,990,596 gives the same sequence; the c. name uses the placement nearest the transcript's 3' end. VCF-style (leftmost placement, unchanged base first): chr15-27990586-ACAGCCAGTG-A. GRCh37 (hg19) VCF-style: chr15-28235732-ACAGCCAGTG-A.
Other names: c.1097_1105delCACTGGCTG (NM_000275.3); c.1045-929_1045-921del (NM_001300984.2).
Identifiers: ClinVar variation 4077118 (VCV004077118.1).